The following is an entry in ClinVar:

ClinVar aggregate classification (germline): Conflicting classifications of pathogenicity. Review status: criteria provided, conflicting classifications (1 of 4 stars). 3 submissions from 3 submitters: Uncertain significance (2); Likely benign (1). Last evaluated 2025-10-28.

Conditions:
Cardiovascular phenotype. Identifiers: MedGen CN230736.
Long QT syndrome (LQTS). Identifiers: MedGen C0023976, MeSH D008133, MONDO:0002442. Disease mechanism: loss of function. Inheritance: Various modes of inheritance.
Long QT syndrome 1 (LQT1). Identifiers: Orphanet 101016, Orphanet 768, MedGen C4551647, MONDO:0100316, OMIM 192500, MONDO:0008646.

Allele frequency attached by ClinVar (database versions not stated): gnomAD exomes 0.00002; gnomAD 0.00003; TOPMed 0.00003.
gnomAD v4.1: 32 of 1,612,458 alleles (0.002%); highest among the groups gnomAD compares: Non-Finnish European, 0.0027%; no homozygotes.

Submissions (3):

Ambry Genetics
Classification: Likely benign for Cardiovascular phenotype. Last evaluated: 2025-10-28. Review status: criteria provided, single submitter. Criteria: Ambry Variant Classification Scheme 2023. Collection method: clinical testing. Allele origin: germline.

Labcorp Genetics (formerly Invitae), Labcorp
Classification: Uncertain significance for Long QT syndrome. Last evaluated: 2025-04-06. Review status: criteria provided, single submitter. Criteria: Invitae Variant Classification Sherloc (09022015). Collection method: clinical testing. Allele origin: germline.
Comment: This sequence change replaces isoleucine, which is neutral and non-polar, with leucine, which is neutral and non-polar, at codon 661 of the AKAP9 protein (p.Ile661Leu). This variant is present in population databases (no rsID available, gnomAD 0.005%). This variant has not been reported in the literature in individuals affected with AKAP9-related conditions. ClinVar contains an entry for this variant (Variation ID: 978290). An algorithm developed to predict the effect of missense changes on protein structure and function outputs the following: PolyPhen-2: "Benign". The leucine amino acid residue is found in multiple mammalian species, which suggests that this missense change does not adversely affect protein function. In summary, the available evidence is currently insufficient to determine the role of this variant in disease. Therefore, it has been classified as a Variant of Uncertain Significance.

Molecular Diagnostic Laboratory for Inherited Cardiovascular Disease, Montreal Heart Institute
Classification: Uncertain significance for Long QT syndrome 1. Last evaluated: 2019-07-15. Review status: criteria provided, single submitter. Criteria: ACMG Guidelines, 2015. Collection method: clinical testing. Allele origin: germline. Affected: yes.

NM_005751.5(AKAP9):c.1981A>C (p.Ile661Leu)

Gene: AKAP9 (A-kinase anchoring protein 9; plus strand). Cytogenetic location: 7q21.2.
Variant type: single nucleotide variant.
Coding change: c.1981A>C on transcript NM_005751.5 (MANE Select); coding-DNA position 1981, A replaced by C.
Protein change: p.Ile661Leu; replaces isoleucine 661 with leucine.
Molecular consequence: missense variant.
Genome position (GRCh38, 1-based): chr7:92,001,898, A>C. VCF-style: chr7-92001898-A-C. GRCh37 (hg19) VCF-style: chr7-91631212-A-C.
Other names: c.1981A>C, p.Ile661Leu (NM_147185.3); short protein forms I661L.
Identifiers: ClinVar variation 978290 (VCV000978290.11), dbSNP rs961090757, ClinGen allele CA161907559.
Genomic context (GRCh38, chr7:92,001,898, plus strand): 5'-AAGGAAGATTTAGAAATTGAACATCGAATAAATATTGAAAAACTTAAAGATAATTTAGGC[A>C]TTCACTATAAACAGCAGATAGATGGTTTACAGAATGAAATGAGTCAAAAGATAGAAACCA-3'
Protein context (NP_005742.4, residues 651-671): NIEKLKDNLG[Ile661Leu]HYKQQIDGLQ